The following is an entry in ClinVar:

NM_000059.4(BRCA2):c.3128C>T (p.Ala1043Val)

Gene: BRCA2 (BRCA2 DNA repair associated; plus strand). Cytogenetic location: 13q13.1.
Variant type: single nucleotide variant.
Coding change: c.3128C>T on transcript NM_000059.4 (MANE Select); coding-DNA position 3128, C replaced by T.
Protein change: p.Ala1043Val; replaces alanine 1043 with valine.
Molecular consequence: missense variant.
Genome position (GRCh38, 1-based): chr13:32,337,483, C>T. VCF-style: chr13-32337483-C-T. GRCh37 (hg19) VCF-style: chr13-32911620-C-T.
Other names: short protein forms A1043V.
Identifiers: ClinVar variation 1002452 (VCV001002452.11), dbSNP rs1555283059, ClinGen allele CA387775723.

ClinVar aggregate classification (germline): Conflicting classifications of pathogenicity. Review status: criteria provided, conflicting classifications (1 of 4 stars). 3 submissions from 3 submitters: Uncertain significance (2); Likely benign (1). Last evaluated 2023-03-23.

Conditions:
Hereditary cancer-predisposing syndrome. Also called: Hereditary Cancer Syndrome; Hereditary neoplastic syndrome; Tumor predisposition; Neoplastic Syndromes, Hereditary. Identifiers: Orphanet 140162, MedGen C0027672, MeSH D009386, MONDO:0015356.
Hereditary breast ovarian cancer syndrome. Also called: Hereditary breast and ovarian cancer syndrome; BRCA1- and BRCA2-Associated Hereditary Breast and Ovarian Cancer; Hereditary breast and ovarian cancer; Hereditary breast and ovarian cancer syndrome (HBOC); Breast and ovarian cancer; Hereditary breast and/or ovarian cancer syndrome. Identifiers: Orphanet 145, MedGen C0677776, MeSH D061325, MONDO:0003582. Disease mechanism: loss of function.

Allele frequency attached by ClinVar (database versions not stated): gnomAD exomes below 0.00001.
gnomAD v4.1: 1 of 1,609,678 alleles (0.000062%); highest among the groups gnomAD compares: Non-Finnish European, 0.000085%; no homozygotes.

Submissions (3):

University of Washington Department of Laboratory Medicine, University of Washington
Classification: Likely benign for Hereditary cancer-predisposing syndrome. Last evaluated: 2023-03-23. Review status: criteria provided, single submitter. Criteria: Dines et al. (Genet Med. 2020). Collection method: curation. Allele origin: germline.
Comment: Missense variant in a coldspot region where missense variants are very unlikely to be pathogenic (PMID:31911673).

BRCA2 exon 11 coldspot. Reclassification based on statistical prior probability.

Labcorp Genetics (formerly Invitae), Labcorp
Classification: Uncertain significance for Hereditary breast ovarian cancer syndrome. Last evaluated: 2023-02-23. Review status: criteria provided, single submitter. Criteria: Invitae Variant Classification Sherloc (09022015). Collection method: clinical testing. Allele origin: germline.
Comment: In summary, the available evidence is currently insufficient to determine the role of this variant in disease. Therefore, it has been classified as a Variant of Uncertain Significance. Advanced modeling of protein sequence and biophysical properties (such as structural, functional, and spatial information, amino acid conservation, physicochemical variation, residue mobility, and thermodynamic stability) performed at Invitae indicates that this missense variant is not expected to disrupt BRCA2 protein function. ClinVar contains an entry for this variant (Variation ID: 1002452). This variant has not been reported in the literature in individuals affected with BRCA2-related conditions. This variant is not present in population databases (gnomAD no frequency). This sequence change replaces alanine, which is neutral and non-polar, with valine, which is neutral and non-polar, at codon 1043 of the BRCA2 protein (p.Ala1043Val).

Blueprint Genetics
Classification: Uncertain significance. Last evaluated: 2018-05-22. Review status: criteria provided, single submitter. Criteria: ACMG Guidelines, 2015. Collection method: clinical testing. Allele origin: germline.